The following is an entry in ClinVar:

ClinVar aggregate classification (germline): Uncertain significance. Review status: criteria provided, multiple submitters, no conflicts (2 of 4 stars). 2 submissions from 2 submitters: Uncertain significance (2). Last evaluated 2025-09-08.

Conditions:
Familial acute necrotizing encephalopathy (IIAE3). Also called: Susceptibility to Acute Necrotizing Encephalopathy 1; ENCEPHALOPATHY, ACUTE, INFECTION-INDUCED, SUSCEPTIBILITY TO, 3. Identifiers: Orphanet 88619, MedGen C2675556, MONDO:0011953, OMIM 608033.

Allele frequency attached by ClinVar (database versions not stated): gnomAD exomes below 0.00001 and 0.00001; TOPMed 0.00002.
gnomAD v4.1: 8 of 1,612,004 alleles (0.0005%); highest among the groups gnomAD compares: East Asian, 0.0067%; no homozygotes.

Submissions (2):

Ambry Genetics
Classification: Uncertain significance. Last evaluated: 2025-09-08. Review status: criteria provided, single submitter. Criteria: Ambry Variant Classification Scheme 2023. Collection method: clinical testing. Allele origin: germline.

Labcorp Genetics (formerly Invitae), Labcorp
Classification: Uncertain significance for Familial acute necrotizing encephalopathy. Last evaluated: 2024-07-01. Review status: criteria provided, single submitter. Criteria: Invitae Variant Classification Sherloc (09022015). Collection method: clinical testing. Allele origin: germline.
Comment: This sequence change replaces serine, which is neutral and polar, with asparagine, which is neutral and polar, at codon 2566 of the RANBP2 protein (p.Ser2566Asn). This variant is present in population databases (no rsID available, gnomAD 0.006%). This variant has not been reported in the literature in individuals affected with RANBP2-related conditions. ClinVar contains an entry for this variant (Variation ID: 537205). Advanced modeling of protein sequence and biophysical properties (such as structural, functional, and spatial information, amino acid conservation, physicochemical variation, residue mobility, and thermodynamic stability) performed at Invitae indicates that this missense variant is not expected to disrupt RANBP2 protein function with a negative predictive value of 80%. In summary, the available evidence is currently insufficient to determine the role of this variant in disease. Therefore, it has been classified as a Variant of Uncertain Significance.

NM_006267.5(RANBP2):c.7697G>A (p.Ser2566Asn)

Gene: RANBP2 (RAN binding protein 2; plus strand). Cytogenetic location: 2q13.
Variant type: single nucleotide variant.
Coding change: c.7697G>A on transcript NM_006267.5 (MANE Select); coding-DNA position 7697, G replaced by A.
Protein change: p.Ser2566Asn; replaces serine 2566 with asparagine.
Molecular consequence: missense variant.
Genome position (GRCh38, 1-based): chr2:108,768,236, G>A. VCF-style: chr2-108768236-G-A. GRCh37 (hg19) VCF-style: chr2-109384692-G-A.
Other names: short protein forms S2566N.
Identifiers: ClinVar variation 537205 (VCV000537205.12), dbSNP rs1196915435, ClinGen allele CA348079752.
Genomic context (GRCh38, chr2:108,768,236, plus strand): 5'-GATTTAGTTTTAATGCACCTTTGAAAAGTAACAATAGTGAAACTAGTTCAGTAGCCCAGA[G>A]TGGATCTGAAAGCAAAGTGGAACCTAAAAAATGTGAACTGTCAAAGAACTCTGATATCGA-3'
Protein context (NP_006258.3, residues 2556-2576): NNSETSSVAQ[Ser2566Asn]GSESKVEPKK